The following is an entry in ClinVar:

NM_000548.5(TSC2):c.20A>C (p.Lys7Thr)

Gene: TSC2 (TSC complex subunit 2; plus strand). Cytogenetic location: 16p13.3.
Variant type: single nucleotide variant.
Coding change: c.20A>C on transcript NM_000548.5 (MANE Select); coding-DNA position 20, A replaced by C.
Protein change: p.Lys7Thr; replaces lysine 7 with threonine.
Molecular consequence: missense variant. On other transcripts: 5 prime UTR variant (1), intron variant (1).
Genome position (GRCh38, 1-based): chr16:2,048,635, A>C. VCF-style: chr16-2048635-A-C. GRCh37 (hg19) VCF-style: chr16-2098636-A-C.
Other names: c.20A>C, p.Lys7Thr (NM_001077183.3, NM_001114382.3, NM_001318827.2 and 4 more transcripts); c.-207A>C (NM_001318831.2); c.53A>C, p.Lys18Thr (NM_001318832.2); c.-10+570A>C (NM_001318829.2); short protein forms K7T, K18T.
Identifiers: ClinVar variation 943258 (VCV000943258.9), dbSNP rs137854215, ClinGen allele CA394300618.

ClinVar aggregate classification (germline): Uncertain significance (1 of 4 stars; one submission).

Conditions:
Tuberous sclerosis 2 (TSC2). Identifiers: Orphanet 805, MedGen C1860707, MONDO:0013199, OMIM 613254.

Submission:

Labcorp Genetics (formerly Invitae), Labcorp
Classification: Uncertain significance for Tuberous sclerosis 2. Last evaluated: 2019-06-28. Review status: criteria provided, single submitter. Criteria: Invitae Variant Classification Sherloc (09022015). Collection method: clinical testing. Allele origin: germline.
Comment: This variant is not present in population databases (ExAC no frequency). In summary, the available evidence is currently insufficient to determine the role of this variant in disease. Therefore, it has been classified as a Variant of Uncertain Significance. Algorithms developed to predict the effect of missense changes on protein structure and function are either unavailable or do not agree on the potential impact of this missense change (SIFT: "Deleterious"; PolyPhen-2: "Possibly Damaging"; Align-GVGD: "Class C0"). This variant has not been reported in the literature in individuals with TSC2-related conditions. This sequence change replaces lysine with threonine at codon 7 of the TSC2 protein (p.Lys7Thr). The lysine residue is highly conserved and there is a moderate physicochemical difference between lysine and threonine.